The following is an entry in ClinVar:

ClinVar aggregate classification (germline): Likely benign. Review status: criteria provided, multiple submitters, no conflicts (2 of 4 stars). 5 submissions from 5 submitters: Likely benign (3). 2 of the submissions do not count toward it. Last evaluated 2026-01-31.

Conditions:
Autosomal recessive nonsyndromic hearing loss 77. Identifiers: Orphanet 90636, MedGen C2746083, MONDO:0013119, OMIM 613079.
LOXHD1-related disorder. Also called: LOXHD1-related condition.

Allele frequency attached by ClinVar (database versions not stated): gnomAD exomes 0.00022; ExAC 0.00062; gnomAD 0.00078 and 0.00083; TOPMed 0.00095; 1000 Genomes Project 0.00120; 1000 Genomes Project 30x 0.00125; ESP Exome Variant Server 0.00131.
gnomAD v4.1: 258 of 1,551,468 alleles (0.017%); highest among the groups gnomAD compares: African/African-American, 0.28%; no homozygotes.

Submissions (5):

Labcorp Genetics (formerly Invitae), Labcorp
Classification: Likely benign. Last evaluated: 2026-01-31. Review status: criteria provided, single submitter. Criteria: Invitae Variant Classification Sherloc (09022015). Collection method: clinical testing. Allele origin: germline.

Blueprint Genetics
Classification: Likely benign. Last evaluated: 2021-08-06. Review status: criteria provided, single submitter. Criteria: ACMG Guidelines, 2015. Collection method: clinical testing. Allele origin: germline.

GeneDx
Classification: Likely benign. Last evaluated: 2018-05-18. Review status: criteria provided, single submitter. Criteria: GeneDx Variant Classification (06012015). Collection method: clinical testing. Allele origin: germline. Affected: yes.
Comment: This variant is considered likely benign or benign based on one or more of the following criteria: it is a conservative change, it occurs at a poorly conserved position in the protein, it is predicted to be benign by multiple in silico algorithms, and/or has population frequency not consistent with disease.

PreventionGenetics, part of Exact Sciences
Classification: Likely benign for LOXHD1-related condition. Last evaluated: 2024-04-03. Review status: no assertion criteria provided. Collection method: clinical testing. Allele origin: germline. Not counted in ClinVar's aggregate classification.
Comment: This variant is classified as likely benign based on ACMG/AMP sequence variant interpretation guidelines (Richards et al. 2015 PMID: 25741868, with internal and published modifications).

Natera, Inc.
Classification: Uncertain significance for Autosomal recessive deafness type 77. Last evaluated: 2020-01-17. Review status: no assertion criteria provided. Collection method: clinical testing. Allele origin: germline. Not counted in ClinVar's aggregate classification.

NM_001384474.1(LOXHD1):c.5399+6T>C

Gene: LOXHD1 (lipoxygenase homology PLAT domains 1; minus strand). Cytogenetic location: 18q21.1.
Variant type: single nucleotide variant.
Coding change: c.5399+6T>C on transcript NM_001384474.1 (MANE Select); 6 bases into the intron after coding-DNA position 5399, T replaced by C.
Molecular consequence: intron variant.
Genome position (GRCh38, 1-based): chr18:46,518,123, A>G on the plus strand (T>C on the coding strand, the complement: LOXHD1 is on the minus strand). VCF-style: chr18-46518123-A-G. GRCh37 (hg19) VCF-style: chr18-44098086-A-G.
Other names: c.2066+6T>C (NM_001145472.3); c.1778+6T>C (NM_001308013.2); c.116+6T>C (NM_001173129.2, NM_001145473.3); c.5213+6T>C (NM_144612.7).
Identifiers: ClinVar variation 668254 (VCV000668254.12), dbSNP rs374607583, ClinGen allele CA8952206.